The following is an entry in ClinVar:

ClinVar aggregate classification (germline): Likely benign (1 of 4 stars; one submission).

Allele frequency attached by ClinVar (database versions not stated): ExAC 0.00005; gnomAD exomes 0.00005; gnomAD 0.00006; TOPMed 0.00006; ESP Exome Variant Server 0.00031.
gnomAD v4.1: 84 of 1,613,978 alleles (0.0052%); highest among the groups gnomAD compares: Non-Finnish European, 0.0064%; no homozygotes.

Submission:

CeGaT Center for Human Genetics Tuebingen
Classification: Likely benign. Last evaluated: 2024-05-01. Review status: criteria provided, single submitter. Criteria: CeGaT Center For Human Genetics Tuebingen Variant Classification Criteria Version 2. Collection method: clinical testing. Allele origin: germline. Affected: yes. Observed: 1 variant allele.
Comment: ANK3: BP4, BP7

NM_020987.5(ANK3):c.645G>A (p.Thr215=)

Gene: ANK3 (ankyrin 3; minus strand). Cytogenetic location: 10q21.2.
Variant type: single nucleotide variant.
Coding change: c.645G>A on transcript NM_020987.5 (MANE Select); coding-DNA position 645, G replaced by A.
Protein change: p.Thr215=; no amino-acid change (threonine 215 retained).
Molecular consequence: synonymous variant.
Genome position (GRCh38, 1-based): chr10:60,263,889, C>T on the plus strand (G>A on the coding strand, the complement: ANK3 is on the minus strand). VCF-style: chr10-60263889-C-T. GRCh37 (hg19) VCF-style: chr10-62023647-C-T.
Other names: c.627G>A, p.Thr209= (NM_001204403.2); c.594G>A, p.Thr198= (NM_001204404.2); c.645G>A, p.Thr215= (NM_001320874.2).
Identifiers: ClinVar variation 3239207 (VCV003239207.19), dbSNP rs145034480.